The following is an entry in ClinVar:

ClinVar aggregate classification (germline): Uncertain significance. Review status: criteria provided, multiple submitters, no conflicts (2 of 4 stars). 2 submissions from 2 submitters: Uncertain significance (2). Last evaluated 2025-12-31.

Conditions:
Alstrom syndrome (ALMS). Identifiers: Orphanet 64, MedGen C0268425, MONDO:0008763, OMIM 203800.

Allele frequency attached by ClinVar (database versions not stated): gnomAD exomes below 0.00001; gnomAD 0.00001; ExAC 0.00002; TOPMed 0.00002.
gnomAD v4.1: 3 of 1,614,076 alleles (0.00019%); highest among the groups gnomAD compares: East Asian, 0.0067%; no homozygotes.

Submissions (2):

Labcorp Genetics (formerly Invitae), Labcorp
Classification: Uncertain significance for Alstrom syndrome. Last evaluated: 2025-12-31. Review status: criteria provided, single submitter. Criteria: Invitae Variant Classification Sherloc (09022015). Collection method: clinical testing. Allele origin: germline.
Comment: This sequence change replaces histidine, which is basic and polar, with tyrosine, which is neutral and polar, at codon 2905 of the ALMS1 protein (p.His2905Tyr). This variant is present in population databases (rs368851263, gnomAD 0.03%). This variant has not been reported in the literature in individuals affected with ALMS1-related conditions. ClinVar contains an entry for this variant (Variation ID: 1982226). Experimental studies and prediction algorithms are not available or were not evaluated, and the functional significance of this variant is currently unknown. In summary, the available evidence is currently insufficient to determine the role of this variant in disease. Therefore, it has been classified as a Variant of Uncertain Significance.

Blueprint Genetics
Classification: Uncertain significance. Last evaluated: 2021-11-30. Review status: criteria provided, single submitter. Criteria: ACMG Guidelines, 2015. Collection method: clinical testing. Allele origin: germline.

NM_001378454.1(ALMS1):c.8710C>T (p.His2904Tyr)

Gene: ALMS1 (ALMS1 centrosome and basal body associated protein; plus strand). Cytogenetic location: 2p13.1.
Variant type: single nucleotide variant.
Coding change: c.8710C>T on transcript NM_001378454.1 (MANE Select); coding-DNA position 8710, C replaced by T.
Protein change: p.His2904Tyr; replaces histidine 2904 with tyrosine.
Molecular consequence: missense variant.
Genome position (GRCh38, 1-based): chr2:73,490,669, C>T. VCF-style: chr2-73490669-C-T. GRCh37 (hg19) VCF-style: chr2-73717796-C-T.
Other names: c.8713C>T, p.His2905Tyr (NM_015120.4); short protein forms H2905Y, H2904Y.
Identifiers: ClinVar variation 1982226 (VCV001982226.3), dbSNP rs368851263, ClinGen allele CA1714523.